The following is an entry in ClinVar:

NM_001127217.3(SMAD9):c.1004-2A>G

Gene: SMAD9 (SMAD family member 9; minus strand). Cytogenetic location: 13q13.3.
Variant type: single nucleotide variant.
Coding change: c.1004-2A>G on transcript NM_001127217.3 (MANE Select); the canonical splice acceptor site of the intron before coding-DNA position 1004, A replaced by G.
Molecular consequence: splice acceptor variant.
Genome position (GRCh38, 1-based): chr13:36,853,677, T>C on the plus strand (A>G on the coding strand, the complement: SMAD9 is on the minus strand). VCF-style: chr13-36853677-T-C. GRCh37 (hg19) VCF-style: chr13-37427814-T-C.
Other names: c.893-2A>G (NM_005905.6, NM_001378621.1).
Identifiers: ClinVar variation 3575895 (VCV003575895.3).

ClinVar aggregate classification (germline): Likely pathogenic. Review status: criteria provided, multiple submitters, no conflicts (2 of 4 stars). 2 submissions from 2 submitters: Likely pathogenic (2). Last evaluated 2024-04-10.

Conditions:
Pulmonary hypertension, primary, 2. Identifiers: Orphanet 422, MedGen C3888002, MONDO:0014134, OMIM 615342.

Submissions (2):

Fulgent Genetics
Classification: Likely pathogenic for Pulmonary hypertension, primary, 2. Last evaluated: 2024-04-10. Review status: criteria provided, single submitter. Criteria: ACMG Guidelines, 2015. Collection method: clinical testing. Allele origin: germline.

Juno Genomics, Hangzhou Juno Genomics, Inc
Classification: Likely pathogenic for Pulmonary hypertension, primary, 2. Review status: criteria provided, single submitter. Criteria: ACMG Guidelines, 2015. Collection method: clinical testing. Allele origin: germline.
Comment: Null variant in a gene where loss of function (LOF) is a known mechanism of disease.;Absent from controls (or at extremely low frequency if recessive) in Genome Aggregation Database.